The following is an entry in ClinVar:

ClinVar aggregate classification (germline): Pathogenic. Review status: criteria provided, multiple submitters, no conflicts (2 of 4 stars). 3 submissions from 3 submitters: Pathogenic (3). Last evaluated 2023-09-21.

Conditions:
SPINK5-related disorder. Also called: SPINK5-related condition.
Ichthyosis linearis circumflexa. Identifiers: MedGen C0265962, MONDO:0043106, HP:0025810.

Submissions (3):

Blueprint Genetics
Classification: Pathogenic for SPINK5-related disorders. Last evaluated: 2023-09-21. Review status: criteria provided, single submitter. Criteria: ACMG Guidelines, 2015. Collection method: clinical testing. Allele origin: germline. Affected: yes. Observed: 4 variant alleles.

Labcorp Genetics (formerly Invitae), Labcorp
Classification: Pathogenic for Ichthyosis linearis circumflexa. Last evaluated: 2023-03-22. Review status: criteria provided, single submitter. Criteria: Invitae Variant Classification Sherloc (09022015). Collection method: clinical testing. Allele origin: germline.
Comment: For these reasons, this variant has been classified as Pathogenic. ClinVar contains an entry for this variant (Variation ID: 938196). This premature translational stop signal has been observed in individual(s) with Netherton syndrome (PMID: 26031502). This variant is present in population databases (rs763649250, gnomAD 0.002%). This sequence change creates a premature translational stop signal (p.Asp106Trpfs*7) in the SPINK5 gene. It is expected to result in an absent or disrupted protein product. Loss-of-function variants in SPINK5 are known to be pathogenic (PMID: 11511292, 11841556).

GeneDx
Classification: Pathogenic. Last evaluated: 2020-11-06. Review status: criteria provided, single submitter. Criteria: GeneDx Variant Classification Process June 2021. Collection method: clinical testing. Allele origin: germline. Affected: yes.
Comment: Frameshift variant predicted to result in protein truncation or nonsense mediated decay in a gene for which loss-of-function is a known mechanism of disease; Not observed at a significant frequency in large population cohorts (Lek et al., 2016); This variant is associated with the following publications: (PMID: 26031502, 32472705)

Literature cited by the submitters: PubMed 26031502 (cited by Labcorp Genetics (formerly Invitae), Labcorp); PubMed 11511292 (cited by Labcorp Genetics (formerly Invitae), Labcorp); PubMed 11841556 (cited by Labcorp Genetics (formerly Invitae), Labcorp).

NM_006846.4(SPINK5):c.316_317del (p.Asp106fs)

Gene: SPINK5 (serine peptidase inhibitor Kazal type 5; plus strand). Cytogenetic location: 5q32.
Variant type: Microsatellite.
Coding change: c.316_317del on transcript NM_006846.4 (MANE Select); coding-DNA positions 316 to 317, 2 bases deleted (GA; older notation c.316_317delGA).
Protein change: p.Asp106fs; shifts the reading frame from aspartic acid 106.
Molecular consequence: frameshift variant.
Genome position (GRCh38, 1-based): chr5:148,086,438-148,086,439, GA deleted; deleting any 2 consecutive bases within chr5:148,086,435-148,086,439 gives the same sequence; the c. name uses the placement nearest the transcript's 3' end. VCF-style (leftmost placement, unchanged base first): chr5-148086434-AAG-A. GRCh37 (hg19) VCF-style: chr5-147465997-AAG-A.
Other names: c.316_317del, p.Asp106fs (NM_001127698.2, NM_001127699.2); c.316_317delGA (NM_006846.3); short protein forms D106fs.
Identifiers: ClinVar variation 938196 (VCV000938196.13), dbSNP rs763649250, ClinGen allele CA3495179.